The following is an entry in ClinVar:

ClinVar aggregate classification (germline): Likely benign (1 of 4 stars; one submission).

Allele frequency attached by ClinVar (database versions not stated): TOPMed 0.00001.

Submission:

GeneDx
Classification: Likely benign. Last evaluated: 2015-11-20. Review status: criteria provided, single submitter. Criteria: GeneDx Variant Classification (06012015). Collection method: clinical testing. Allele origin: germline. Affected: yes.
Comment: This variant is considered likely benign or benign based on one or more of the following criteria: it is a conservative change, it occurs at a poorly conserved position in the protein, it is predicted to be benign by multiple in silico algorithms, and/or has population frequency not consistent with disease.

NM_000535.7(PMS2):c.-30A>C

Gene: PMS2 (PMS1 homolog 2, mismatch repair system component; minus strand). Cytogenetic location: 7p22.1.
Variant type: single nucleotide variant.
Coding change: c.-30A>C on transcript NM_000535.7 (MANE Select); 30 bases upstream of the start codon, A replaced by C.
Molecular consequence: 5 prime UTR variant. On other transcripts: non-coding transcript variant (1).
Genome position (GRCh38, 1-based): chr7:6,009,049, T>G on the plus strand (A>C on the coding strand, the complement: PMS2 is on the minus strand). VCF-style: chr7-6009049-T-G. GRCh37 (hg19) VCF-style: chr7-6048680-T-G.
Other names: c.-430A>C (NM_001322003.2, NM_001322013.2); c.-295A>C (NM_001322004.2, NM_001322010.2); c.-625A>C (NM_001322005.2); c.-30A>C (NM_001322006.2, NM_001322014.2); c.-245A>C (NM_001322007.2); c.-105A>C (NM_001322008.2); c.-620A>C (NM_001322009.2); c.-914A>C (NM_001322011.2); and 2 more.
Identifiers: ClinVar variation 381767 (VCV000381767.1), dbSNP rs761498916, ClinGen allele CA16605261.